The following is an entry in ClinVar:

ClinVar aggregate classification (germline): Uncertain significance (1 of 4 stars; one submission).

Conditions:
Hereditary insensitivity to pain with anhidrosis (CIPA). Also called: NEUROPATHY, CONGENITAL SENSORY, WITH ANHIDROSIS; INSENSITIVITY TO PAIN, CONGENITAL, WITH ANHIDROSIS; FAMILIAL DYSAUTONOMIA, TYPE II; hereditary sensory and autonomic neuropathy type 4; HSAN Type IV; NTRK1 Congenital Insensitivity to Pain with Anhidrosis. Identifiers: Orphanet 642, MedGen C0020074, MONDO:0009746, OMIM 256800.

Submission:

Labcorp Genetics (formerly Invitae), Labcorp
Classification: Uncertain significance for Hereditary insensitivity to pain with anhidrosis. Last evaluated: 2025-02-17. Review status: criteria provided, single submitter. Criteria: Invitae Variant Classification Sherloc (09022015). Collection method: clinical testing. Allele origin: germline.
Comment: This sequence change replaces serine, which is neutral and polar, with tryptophan, which is neutral and slightly polar, at codon 204 of the NTRK1 protein (p.Ser204Trp). This variant is not present in population databases (gnomAD no frequency). This variant has not been reported in the literature in individuals affected with NTRK1-related conditions. ClinVar contains an entry for this variant (Variation ID: 2113778). Invitae Evidence Modeling of protein sequence and biophysical properties (such as structural, functional, and spatial information, amino acid conservation, physicochemical variation, residue mobility, and thermodynamic stability) indicates that this missense variant is not expected to disrupt NTRK1 protein function with a negative predictive value of 95%. Algorithms developed to predict the effect of sequence changes on RNA splicing suggest that this variant may disrupt the consensus splice site. In summary, the available evidence is currently insufficient to determine the role of this variant in disease. Therefore, it has been classified as a Variant of Uncertain Significance.

NM_002529.4(NTRK1):c.611C>G (p.Ser204Trp)

Gene: NTRK1 (neurotrophic receptor tyrosine kinase 1; plus strand). Cytogenetic location: 1q23.1.
Variant type: single nucleotide variant.
Coding change: c.611C>G on transcript NM_002529.4 (MANE Select); coding-DNA position 611, C replaced by G.
Protein change: p.Ser204Trp; replaces serine 204 with tryptophan.
Molecular consequence: missense variant.
Genome position (GRCh38, 1-based): chr1:156,868,541, C>G. VCF-style: chr1-156868541-C-G. GRCh37 (hg19) VCF-style: chr1-156838333-C-G.
Other names: c.611C>G, p.Ser204Trp (NM_001007204.1, NM_001012331.2); c.521C>G, p.Ser174Trp (NM_001007792.1); short protein forms S174W, S204W.
Identifiers: ClinVar variation 2113778 (VCV002113778.4), dbSNP rs148324672, ClinGen allele CA342934276.